The following is an entry in ClinVar:

NM_000532.5(PCCB):c.885-3A>C

Gene: PCCB (propionyl-CoA carboxylase subunit beta; plus strand). Cytogenetic location: 3q22.3.
Variant type: single nucleotide variant.
Coding change: c.885-3A>C on transcript NM_000532.5 (MANE Select); 3 bases into the intron before coding-DNA position 885, A replaced by C.
Molecular consequence: intron variant.
Genome position (GRCh38, 1-based): chr3:136,301,027, A>C. VCF-style: chr3-136301027-A-C. GRCh37 (hg19) VCF-style: chr3-136019869-A-C.
Other names: c.945-3A>C (NM_001178014.2).
Identifiers: ClinVar variation 1908707 (VCV001908707.5), dbSNP rs529298623, ClinGen allele CA83800469.
Genomic context (GRCh38, chr3:136,301,027, plus strand): 5'-ATTCCCACAAAAGGTAACTGGCTCTTCCTATGTTGACTATACCTGCCTTTTTTCTGCCTA[A>C]AGTGACCGTCTGGTTCCTGAGCTTGACACAATTGTCCCTTTGGAATCAACCAAAGCCTAC-3'

ClinVar aggregate classification (germline): Uncertain significance (1 of 4 stars; one submission).

Conditions:
Propionic acidemia (PROP). Also called: HYPERGLYCINEMIA WITH KETOACIDOSIS AND LEUKOPENIA; KETOTIC HYPERGLYCINEMIA; GLYCINEMIA, KETOTIC. Identifiers: Orphanet 35, MedGen C0268579, MONDO:0011628, OMIM 606054, HP:0003571.

gnomAD v4.1: 1 of 1,613,820 alleles (0.000062%); no homozygotes.

Submission:

Labcorp Genetics (formerly Invitae), Labcorp
Classification: Uncertain significance for Propionic acidemia. Last evaluated: 2022-09-27. Review status: criteria provided, single submitter. Criteria: Invitae Variant Classification Sherloc (09022015). Collection method: clinical testing. Allele origin: germline.
Comment: In summary, the available evidence is currently insufficient to determine the role of this variant in disease. Therefore, it has been classified as a Variant of Uncertain Significance. Variants that disrupt the consensus splice site are a relatively common cause of aberrant splicing (PMID: 17576681, 9536098). Algorithms developed to predict the effect of sequence changes on RNA splicing suggest that this variant is not likely to affect RNA splicing. This variant has not been reported in the literature in individuals affected with PCCB-related conditions. This variant is not present in population databases (gnomAD no frequency). This sequence change falls in intron 8 of the PCCB gene. It does not directly change the encoded amino acid sequence of the PCCB protein. It affects a nucleotide within the consensus splice site.

Literature cited by the submitters: PubMed 17576681; PubMed 9536098.